The following is an entry in ClinVar:

ClinVar aggregate classification (germline): Pathogenic (1 of 4 stars; one submission).

Allele frequency attached by ClinVar (database versions not stated): gnomAD exomes below 0.00001; gnomAD 0.00001.

Submission:

Labcorp Genetics (formerly Invitae), Labcorp
Classification: Pathogenic. Last evaluated: 2025-02-11. Review status: criteria provided, single submitter. Criteria: Invitae Variant Classification Sherloc (09022015). Collection method: clinical testing. Allele origin: germline.
Comment: This sequence change creates a premature translational stop signal (p.Ala1645Cysfs*3) in the COL4A4 gene. While this is not anticipated to result in nonsense mediated decay, it is expected to disrupt the last 46 amino acid(s) of the COL4A4 protein. This variant is present in population databases (no rsID available, gnomAD 0.02%). This variant has not been reported in the literature in individuals affected with COL4A4-related conditions. ClinVar contains an entry for this variant (Variation ID: 2191640). This variant disrupts a region of the COL4A4 protein in which other variant(s) (p.Arg1682Gln) have been determined to be pathogenic (PMID: 17216251, 26809805, 27859054). This suggests that this is a clinically significant region of the protein, and that variants that disrupt it are likely to be disease-causing. For these reasons, this variant has been classified as Pathogenic.

Literature cited by the submitters: PubMed 17216251; PubMed 26809805; PubMed 27859054.

NM_000092.5(COL4A4):c.4932_4933insT (p.Ala1645fs)

Gene: COL4A4 (collagen type IV alpha 4 chain; minus strand). Cytogenetic location: 2q36.3.
Variant type: Insertion.
Coding change: c.4932_4933insT on transcript NM_000092.5 (MANE Select); coding-DNA positions 4932 to 4933, T inserted.
Protein change: p.Ala1645fs; shifts the reading frame from alanine 1645.
Molecular consequence: frameshift variant.
Genome position: GRCh38 VCF-style: chr2-227007465-C-CA. GRCh37 (hg19) VCF-style: chr2-227872181-C-CA.
Other names: short protein forms A1645fs.
Identifiers: ClinVar variation 2191640 (VCV002191640.4), dbSNP rs1198837162, ClinGen allele CA540312173.